The following is an entry in ClinVar:

ClinVar aggregate classification (germline): Uncertain significance (1 of 4 stars; one submission).

Conditions:
Cardiovascular phenotype. Identifiers: MedGen CN230736.
Hereditary cancer-predisposing syndrome. Also called: Tumor predisposition; Hereditary Cancer Syndrome; Neoplastic Syndromes, Hereditary; Hereditary neoplastic syndrome. Identifiers: Orphanet 140162, MedGen C0027672, MeSH D009386, MONDO:0015356.

Submission:

Ambry Genetics
Classification: Uncertain significance for Cardiovascular phenotype; Hereditary cancer-predisposing syndrome. Last evaluated: 2025-08-20. Review status: criteria provided, single submitter. Criteria: Ambry Variant Classification Scheme 2023. Collection method: clinical testing. Allele origin: germline.
Comment: The p.E872G variant (also known as c.2615A>G), located in coding exon 21 of the NF1 gene, results from an A to G substitution at nucleotide position 2615. The glutamic acid at codon 872 is replaced by glycine, an amino acid with similar properties. This amino acid position is highly conserved in available vertebrate species. In addition, the in silico prediction for this alteration is inconclusive. Based on the available evidence, the clinical significance of this variant remains unclear.

NM_001042492.3(NF1):c.2615A>G (p.Glu872Gly)

Gene: NF1 (neurofibromin 1; plus strand). Cytogenetic location: 17q11.2.
Variant type: single nucleotide variant.
Coding change: c.2615A>G on transcript NM_001042492.3 (MANE Select); coding-DNA position 2615, A replaced by G.
Protein change: p.Glu872Gly; replaces glutamic acid 872 with glycine.
Molecular consequence: missense variant.
Genome position (GRCh38, 1-based): chr17:31,229,230, A>G. VCF-style: chr17-31229230-A-G. GRCh37 (hg19) VCF-style: chr17-29556248-A-G.
Other names: c.2615A>G, p.Glu872Gly (NM_000267.4); short protein forms E872G.
Identifiers: ClinVar variation 1793845 (VCV001793845.3), dbSNP rs2151429260, ClinGen allele CA398984487.